The following is an entry in ClinVar:

NM_003737.4(DCHS1):c.8231G>A (p.Ser2744Asn)

Gene: DCHS1 (dachsous cadherin-related 1; minus strand). Cytogenetic location: 11p15.4.
Variant type: single nucleotide variant.
Coding change: c.8231G>A on transcript NM_003737.4 (MANE Select); coding-DNA position 8231, G replaced by A.
Protein change: p.Ser2744Asn; replaces serine 2744 with asparagine.
Molecular consequence: missense variant.
Genome position (GRCh38, 1-based): chr11:6,623,445, C>T on the plus strand (G>A on the coding strand, the complement: DCHS1 is on the minus strand). VCF-style: chr11-6623445-C-T. GRCh37 (hg19) VCF-style: chr11-6644676-C-T.
Other names: short protein forms S2744N.
Identifiers: ClinVar variation 2714628 (VCV002714628.3), dbSNP rs373867079, ClinGen allele CA5859465.
Genomic context (GRCh38, chr11:6,623,445, plus strand): 5'-GTTGAGCTGTTCAGTGCAAATGCCTCACGGCCCTCAGGTCCTGGCCCAGCCTCCAACAGG[C>T]TGTAACGGAGCCTCCCAAAAGCCCCAGCATCCCCGTCGATTGCATGCAGAGTGGTCACGA-3'
Protein context (NP_003728.1, residues 2734-2754): DAGAFGRLRY[Ser2744Asn]LLEAGPGPEG

ClinVar aggregate classification (germline): Uncertain significance (1 of 4 stars; one submission).

Allele frequency attached by ClinVar (database versions not stated): gnomAD exomes 0.00001; TOPMed 0.00001; ExAC 0.00002; gnomAD 0.00002; ESP Exome Variant Server 0.00008.
gnomAD v4.1: 9 of 1,581,816 alleles (0.00057%); highest among the groups gnomAD compares: African/African-American, 0.0041%; no homozygotes.

Submission:

Labcorp Genetics (formerly Invitae), Labcorp
Classification: Uncertain significance. Last evaluated: 2024-12-18. Review status: criteria provided, single submitter. Criteria: Invitae Variant Classification Sherloc (09022015). Collection method: clinical testing. Allele origin: germline.
Comment: This sequence change replaces serine, which is neutral and polar, with asparagine, which is neutral and polar, at codon 2744 of the DCHS1 protein (p.Ser2744Asn). This variant is present in population databases (rs373867079, gnomAD 0.002%). This variant has not been reported in the literature in individuals affected with DCHS1-related conditions. ClinVar contains an entry for this variant (Variation ID: 2714628). Invitae Evidence Modeling of protein sequence and biophysical properties (such as structural, functional, and spatial information, amino acid conservation, physicochemical variation, residue mobility, and thermodynamic stability) indicates that this missense variant is expected to disrupt DCHS1 protein function with a positive predictive value of 80%. In summary, the available evidence is currently insufficient to determine the role of this variant in disease. Therefore, it has been classified as a Variant of Uncertain Significance.